The following is an entry in ClinVar:

NM_001374353.1(GLI2):c.800_801delinsTA (p.Ser267Leu)

Gene: GLI2 (GLI family zinc finger 2; plus strand). Cytogenetic location: 2q14.2.
Variant type: Indel.
Coding change: c.800_801delinsTA on transcript NM_001374353.1 (MANE Select); coding-DNA positions 800 to 801, CG replaced by TA.
Protein change: p.Ser267Leu; replaces serine 267 with leucine.
Molecular consequence: missense variant.
Genome position (GRCh38, 1-based): chr2:120,968,870-120,968,871, CG replaced by TA. VCF-style: chr2-120968870-CG-TA. GRCh37 (hg19) VCF-style: chr2-121726446-CG-TA.
Other names: c.800_801delinsTA, p.Ser267Leu (NM_001371271.1, NM_005270.5); c.425_426delinsTA, p.Ser142Leu (NM_001374354.1); short protein forms S142L, S267L.
Identifiers: ClinVar variation 3364743 (VCV003364743.1).

ClinVar aggregate classification (germline): Uncertain significance (1 of 4 stars; one submission).

Submission:

GeneDx
Classification: Uncertain significance. Last evaluated: 2023-11-20. Review status: criteria provided, single submitter. Criteria: GeneDx Variant Classification Process June 2021. Collection method: clinical testing. Allele origin: germline. Affected: yes.
Comment: Not observed at significant frequency in large population cohorts (gnomAD); In silico analysis supports a deleterious effect on protein structure/function; Has not been previously published as pathogenic or benign to our knowledge